The following is an entry in ClinVar:

NM_024721.5(ZFHX4):c.2916A>G (p.Gln972=)

Gene: ZFHX4 (zinc finger homeobox 4; plus strand). Cytogenetic location: 8q21.13.
Variant type: single nucleotide variant.
Coding change: c.2916A>G on transcript NM_024721.5 (MANE Select); coding-DNA position 2916, A replaced by G.
Protein change: p.Gln972=; no amino-acid change (glutamine 972 retained).
Molecular consequence: synonymous variant.
Genome position (GRCh38, 1-based): chr8:76,707,871, A>G. VCF-style: chr8-76707871-A-G. GRCh37 (hg19) VCF-style: chr8-77620106-A-G.
Other names: c.2838A>G, p.Gln946= (NM_001410934.1).
Identifiers: ClinVar variation 3777960 (VCV003777960.7).

ClinVar aggregate classification (germline): Likely benign (1 of 4 stars; one submission).

gnomAD v4.1: 166 of 1,614,078 alleles (0.01%); highest among the groups gnomAD compares: Middle Eastern, 0.18%; no homozygotes.

Submission:

CeGaT Center for Human Genetics Tuebingen
Classification: Likely benign. Last evaluated: 2025-03-01. Review status: criteria provided, single submitter. Criteria: CeGaT Center For Human Genetics Tuebingen Variant Classification Criteria Version 2. Collection method: clinical testing. Allele origin: germline. Affected: yes. Observed: 1 variant allele.
Comment: ZFHX4: BP4, BP7